The following is an entry in ClinVar:

ClinVar aggregate classification (germline): Pathogenic (1 of 4 stars; one submission).

Conditions:
Hereditary cancer-predisposing syndrome. Also called: Hereditary Cancer Syndrome; Hereditary neoplastic syndrome; Neoplastic Syndromes, Hereditary; Tumor predisposition. Identifiers: Orphanet 140162, MedGen C0027672, MeSH D009386, MONDO:0015356.

Submission:

Ambry Genetics
Classification: Pathogenic for Hereditary cancer-predisposing syndrome. Last evaluated: 2022-09-20. Review status: criteria provided, single submitter. Criteria: Ambry Variant Classification Scheme 2023. Collection method: clinical testing. Allele origin: germline.
Comment: The c.566dupA variant, located in coding exon 5 of the FH gene, results from a duplication of A at nucleotide position 566, causing a translational frameshift with a predicted alternate stop codon (p.D189Efs*17). This variant is considered to be rare based on population cohorts in the Genome Aggregation Database (gnomAD). This alteration is expected to result in loss of function by premature protein truncation or nonsense-mediated mRNA decay. As such, this alteration is interpreted as a disease-causing mutation.

NM_000143.4(FH):c.566dup (p.Asp189fs)

Gene: FH (fumarate hydratase; minus strand). Cytogenetic location: 1q43.
Variant type: Duplication.
Coding change: c.566dup on transcript NM_000143.4 (MANE Select); coding-DNA position 566, one base duplicated (A; older notation c.566dupA).
Protein change: p.Asp189fs; shifts the reading frame from aspartic acid 189.
Molecular consequence: frameshift variant.
Genome position (GRCh38, 1-based): chr1:241,508,775, T duplicated on the plus strand (A on the coding strand, the reverse complement: FH is on the minus strand). VCF-style (leftmost placement, unchanged base first): chr1-241508774-A-AT. GRCh37 (hg19) VCF-style: chr1-241672074-A-AT.
Other names: c.566dupA (NM_000143.3); short protein forms D189fs.
Identifiers: ClinVar variation 1748951 (VCV001748951.2), dbSNP rs2527327569, ClinGen allele CA2580063527.